The following is an entry in ClinVar:

ClinVar aggregate classification (germline): Uncertain significance (1 of 4 stars; one submission).

Conditions:
Hereditary spastic paraplegia 54. Also called: Spastic paraplegia 54, autosomal recessive. Identifiers: Orphanet 320380, MedGen C3539495, MONDO:0014018, OMIM 615033.

Submission:

Labcorp Genetics (formerly Invitae), Labcorp
Classification: Uncertain significance for Hereditary spastic paraplegia 54. Last evaluated: 2022-07-22. Review status: criteria provided, single submitter. Criteria: Invitae Variant Classification Sherloc (09022015). Collection method: clinical testing. Allele origin: germline.
Comment: Experimental studies and prediction algorithms are not available or were not evaluated, and the functional significance of this variant is currently unknown. This variant has not been reported in the literature in individuals affected with DDHD2-related conditions. This variant is not present in population databases (gnomAD no frequency). This variant, c.1359_1364del, results in the deletion of 2 amino acid(s) of the DDHD2 protein (p.Ala454_Pro455del), but otherwise preserves the integrity of the reading frame. In summary, the available evidence is currently insufficient to determine the role of this variant in disease. Therefore, it has been classified as a Variant of Uncertain Significance.

NM_015214.3(DDHD2):c.1359_1364del (p.Ala454_Pro455del)

Gene: DDHD2 (DDHD domain containing 2; plus strand). Cytogenetic location: 8p11.23.
Variant type: Deletion.
Coding change: c.1359_1364del on transcript NM_015214.3 (MANE Select); coding-DNA positions 1359 to 1364, 6 bases deleted (AGCCCC; older notation c.1359_1364delAGCCCC).
Protein change: p.Ala454_Pro455del.
Molecular consequence: inframe deletion. On other transcripts: non-coding transcript variant (2).
Genome position (GRCh38, 1-based): chr8:38,251,926-38,251,931, AGCCCC deleted; deleting any 6 consecutive bases within chr8:38,251,924-38,251,931 gives the same sequence; the c. name uses the placement nearest the transcript's 3' end. VCF-style (leftmost placement, unchanged base first): chr8-38251923-ACCAGCC-A. GRCh37 (hg19) VCF-style: chr8-38109441-ACCAGCC-A.
Other names: c.1359_1364del, p.Ala454_Pro455del (NM_001164232.2, NM_001362911.2, NM_001362912.2 and 1 more transcripts); c.1269_1274del, p.Ala424_Pro425del (NM_001362913.2).
Identifiers: ClinVar variation 1944049 (VCV001944049.5), dbSNP rs1236605272, ClinGen allele CA851465496.